The following is an entry in ClinVar:

NM_207122.2(EXT2):c.1173+14171G>T

Gene: EXT2 (exostosin glycosyltransferase 2; plus strand). Cytogenetic location: 11p11.2.
Variant type: single nucleotide variant.
Coding change: c.1173+14171G>T on transcript NM_207122.2 (MANE Select); 14171 bases into the intron after coding-DNA position 1173, G replaced by T.
Molecular consequence: intron variant. On other transcripts: synonymous variant (1).
Genome position (GRCh38, 1-based): chr11:44,144,309, G>T. VCF-style: chr11-44144309-G-T. GRCh37 (hg19) VCF-style: chr11-44165859-G-T.
Other names: NC_000011.9:g.44165859G>T; c.1236G>T, p.Leu412= (NM_001178083.3); c.1173+14171G>T (NM_001389630.1, NM_001389628.1); c.1272+14171G>T (NM_000401.3).
Identifiers: ClinVar variation 3047521 (VCV003047521.3), dbSNP rs369501833, ClinGen allele CA5955158.

ClinVar aggregate classification (germline): Likely benign (0 of 4 stars; one submission).

Conditions:
EXT2-related disorder. Also called: EXT2-related condition.

Allele frequency attached by ClinVar (database versions not stated): gnomAD 0.00095; gnomAD exomes 0.00008; ExAC 0.00020; ESP Exome Variant Server 0.00052; TOPMed 0.00087.
gnomAD v4.1: 252 of 1,598,294 alleles (0.016%); highest among the groups gnomAD compares: African/African-American, 0.32%; no homozygotes.

Submissions (2):

PreventionGenetics, part of Exact Sciences
Classification: Likely benign for EXT2-related condition. Last evaluated: 2022-03-31. Review status: no assertion criteria provided. Collection method: clinical testing. Allele origin: germline.
Comment: This variant is classified as likely benign based on ACMG/AMP sequence variant interpretation guidelines (Richards et al. 2015 PMID: 25741868, with internal and published modifications).

Dr. Peter K. Rogan Lab, Western University
No classification provided (evidence only). Condition: Acute myeloid leukemia. Review status: no classification provided. Collection method: in vitro. Allele origin: not applicable. Functional consequence: retained intron. Not counted in ClinVar's aggregate classification.